The following is an entry in ClinVar:

NM_000327.4(ROM1):c.769CTG[3] (p.Leu258_Glu259insLeu)

Gene: ROM1 (retinal outer segment membrane protein 1; plus strand). Cytogenetic location: 11q12.3.
Variant type: Microsatellite.
Coding change: c.769CTG[3] on transcript NM_000327.4 (MANE Select); three copies in a row of the 3-base unit CTG starting at c.769; the reference has two copies in a row; one copy, 3 bases duplicated.
Protein change: p.Leu258_Glu259insLeu.
Molecular consequence: inframe insertion.
Genome position (GRCh38, 1-based): chr11:62,614,439-62,614,441, CTG duplicated; duplicating any 3 consecutive bases within chr11:62,614,434-62,614,441 gives the same sequence; the position shown is the placement nearest the transcript's 3' end. VCF-style (leftmost placement, unchanged base first): chr11-62614433-G-GTGC. GRCh37 (hg19) VCF-style: chr11-62381905-G-GTGC.
Identifiers: ClinVar variation 2768555 (VCV002768555.3), dbSNP rs2496226399, ClinGen allele CA2697548597.

ClinVar aggregate classification (germline): Uncertain significance (1 of 4 stars; one submission).

Submission:

Labcorp Genetics (formerly Invitae), Labcorp
Classification: Uncertain significance. Last evaluated: 2023-10-14. Review status: criteria provided, single submitter. Criteria: Invitae Variant Classification Sherloc (09022015). Collection method: clinical testing. Allele origin: germline.
Comment: This variant, c.772_774dup, results in the insertion of 1 amino acid(s) of the ROM1 protein (p.Leu258dup), but otherwise preserves the integrity of the reading frame. This variant is not present in population databases (gnomAD no frequency). This variant has not been reported in the literature in individuals affected with ROM1-related conditions. In summary, the available evidence is currently insufficient to determine the role of this variant in disease. Therefore, it has been classified as a Variant of Uncertain Significance.